The following is an entry in ClinVar:

ClinVar aggregate classification (germline): Uncertain significance (1 of 4 stars; one submission).

Submission:

CeGaT Center for Human Genetics Tuebingen
Classification: Uncertain significance. Last evaluated: 2023-05-01. Review status: criteria provided, single submitter. Criteria: CeGaT Center For Human Genetics Tuebingen Variant Classification Criteria Version 2. Collection method: clinical testing. Allele origin: germline. Affected: yes. Observed: 1 variant allele.
Comment: KDM5C: PM2, PP2, PP3

NM_004187.5(KDM5C):c.3383C>T (p.Ser1128Phe)

Gene: KDM5C (lysine demethylase 5C; minus strand). Cytogenetic location: Xp11.22.
Variant type: single nucleotide variant.
Coding change: c.3383C>T on transcript NM_004187.5 (MANE Select); coding-DNA position 3383, C replaced by T.
Protein change: p.Ser1128Phe; replaces serine 1128 with phenylalanine.
Molecular consequence: missense variant. On other transcripts: non-coding transcript variant (3).
Genome position (GRCh38, 1-based): chrX:53,194,986, G>A on the plus strand (C>T on the coding strand, the complement: KDM5C is on the minus strand). VCF-style: chrX-53194986-G-A. GRCh37 (hg19) VCF-style: chrX-53224168-G-A.
Other names: c.3182C>T, p.Ser1061Phe (NM_001146702.2); c.3380C>T, p.Ser1127Phe (NM_001282622.3, NM_001353979.2, NM_001353982.2); c.3383C>T, p.Ser1128Phe (NM_001353978.3, NM_001353981.2, NM_001353984.2); short protein forms S1061F, S1127F, S1128F.
Identifiers: ClinVar variation 2571367 (VCV002571367.27), dbSNP rs2519380518, ClinGen allele CA413109651.